The following is an entry in ClinVar:

ClinVar aggregate classification (germline): Uncertain significance. Review status: criteria provided, multiple submitters, no conflicts (2 of 4 stars). 2 submissions from 2 submitters: Uncertain significance (2). Last evaluated 2025-11-02.

Conditions:
Hereditary cancer-predisposing syndrome. Also called: Hereditary neoplastic syndrome; Tumor predisposition; Neoplastic Syndromes, Hereditary; Hereditary Cancer Syndrome. Identifiers: Orphanet 140162, MedGen C0027672, MeSH D009386, MONDO:0015356.

Allele frequency attached by ClinVar (database versions not stated): gnomAD exomes below 0.00001.
gnomAD v4.1: 1 of 1,614,088 alleles (0.000062%); highest among the groups gnomAD compares: Non-Finnish European, 0.000085%; no homozygotes.

Submissions (2):

Ambry Genetics
Classification: Uncertain significance for Hereditary cancer-predisposing syndrome. Last evaluated: 2025-11-02. Review status: criteria provided, single submitter. Criteria: Ambry Variant Classification Scheme 2023. Collection method: clinical testing. Allele origin: germline.
Comment: The p.F48C variant (also known as c.143T>G), located in coding exon 2 of the POLE gene, results from a T to G substitution at nucleotide position 143. The phenylalanine at codon 48 is replaced by cysteine, an amino acid with highly dissimilar properties. This amino acid position is conserved. In addition, the in silico prediction for this alteration is inconclusive. Based on the available evidence, the clinical significance of this variant remains unclear.

Labcorp Genetics (formerly Invitae), Labcorp
Classification: Uncertain significance. Last evaluated: 2019-09-29. Review status: criteria provided, single submitter. Criteria: Invitae Variant Classification Sherloc (09022015). Collection method: clinical testing. Allele origin: germline.
Comment: In summary, the available evidence is currently insufficient to determine the role of this variant in disease. Therefore, it has been classified as a Variant of Uncertain Significance. Algorithms developed to predict the effect of missense changes on protein structure and function are either unavailable or do not agree on the potential impact of this missense change (SIFT: "Deleterious"; PolyPhen-2: "Possibly Damaging"; Align-GVGD: "Class C0"). This variant has not been reported in the literature in individuals with POLE-related conditions. This variant is not present in population databases (ExAC no frequency). This sequence change replaces phenylalanine with cysteine at codon 48 of the POLE protein (p.Phe48Cys). The phenylalanine residue is moderately conserved and there is a large physicochemical difference between phenylalanine and cysteine.

NM_006231.4(POLE):c.143T>G (p.Phe48Cys)

Gene: POLE (DNA polymerase epsilon, catalytic subunit; minus strand). Cytogenetic location: 12q24.33.
Variant type: single nucleotide variant.
Coding change: c.143T>G on transcript NM_006231.4 (MANE Select); coding-DNA position 143, T replaced by G.
Protein change: p.Phe48Cys; replaces phenylalanine 48 with cysteine.
Molecular consequence: missense variant.
Genome position (GRCh38, 1-based): chr12:132,681,199, A>C on the plus strand (T>G on the coding strand, the complement: POLE is on the minus strand). VCF-style: chr12-132681199-A-C. GRCh37 (hg19) VCF-style: chr12-133257785-A-C.
Other names: c.143T>G (NM_006231.2); short protein forms F48C.
Identifiers: ClinVar variation 956352 (VCV000956352.10), dbSNP rs2043159814, ClinGen allele CA387370030.
Genomic context (GRCh38, chr12:132,681,199, plus strand): 5'-GGATGCATGTTAATGAGCCAGCCTGTCTTCTCACCAGGCTCCTTCAGCCGCTCAAAACCA[A>C]ACCGCAAATCCATCTTATCCGTCCACTGACTCCGTTCCAGGCGCTTGAGTGCCGAAACTG-3'
Protein context (NP_006222.2, residues 38-58): SQWTDKMDLR[Phe48Cys]GFERLKEPGE